The following is an entry in ClinVar:

NM_003263.4(TLR1):c.239G>C (p.Arg80Thr)

Gene: TLR1 (toll like receptor 1; minus strand). Cytogenetic location: 4p14.
Variant type: single nucleotide variant.
Coding change: c.239G>C on transcript NM_003263.4 (MANE Select); coding-DNA position 239, G replaced by C.
Protein change: p.Arg80Thr; replaces arginine 80 with threonine.
Molecular consequence: missense variant.
Genome position (GRCh38, 1-based): chr4:38,798,593, C>G on the plus strand (G>C on the coding strand, the complement: TLR1 is on the minus strand). VCF-style: chr4-38798593-C-G. GRCh37 (hg19) VCF-style: chr4-38800214-C-G.
Other names: short protein forms R80T.
Identifiers: ClinVar variation 3037177 (VCV003037177.2), dbSNP rs5743611, ClinGen allele CA2889579.
Genomic context (GRCh38, chr4:38,798,593, plus strand): 5'-AAATCCAAGTATTCCAATTCCTGGTTGAATTTGAAAACACTGATATCAAGATACTGGATT[C>G]TATTATGAGAAATTATCAAAATCCTCAGTTTTGACAGTGATAAGATGTCAGAAGTCCAAA-3'
Protein context (NP_003254.2, residues 70-90): KLRILIISHN[Arg80Thr]IQYLDISVFK

ClinVar aggregate classification (germline): Benign (0 of 4 stars; one submission).

Conditions:
TLR1-related disorder. Also called: TLR1-related condition.

Allele frequency attached by ClinVar (database versions not stated): 1000 Genomes Project 30x 0.02046; 1000 Genomes Project 0.02256; TOPMed 0.04919; ESP Exome Variant Server 0.06482; ExAC 0.06885; gnomAD 0.06937.
gnomAD v4.1: 128,126 of 1,613,772 alleles (7.9%); highest among the groups gnomAD compares: Non-Finnish European, 9%; 7,073 homozygotes.

Submission:

PreventionGenetics, part of Exact Sciences
Classification: Benign for TLR1-related condition. Last evaluated: 2019-12-05. Review status: no assertion criteria provided. Collection method: clinical testing. Allele origin: germline.
Comment: This variant is classified as benign based on ACMG/AMP sequence variant interpretation guidelines (Richards et al. 2015 PMID: 25741868, with internal and published modifications).